The following is an entry in ClinVar:

NM_000435.3(NOTCH3):c.1482C>T (p.Thr494=)

Gene: NOTCH3 (notch receptor 3; minus strand). Cytogenetic location: 19p13.12.
Variant type: single nucleotide variant.
Coding change: c.1482C>T on transcript NM_000435.3 (MANE Select); coding-DNA position 1482, C replaced by T.
Protein change: p.Thr494=; no amino-acid change (threonine 494 retained).
Molecular consequence: synonymous variant.
Genome position (GRCh38, 1-based): chr19:15,188,245, G>A on the plus strand (C>T on the coding strand, the complement: NOTCH3 is on the minus strand). VCF-style: chr19-15188245-G-A. GRCh37 (hg19) VCF-style: chr19-15299056-G-A.
Identifiers: ClinVar variation 4534334 (VCV004534334.6).

ClinVar aggregate classification (germline): Likely benign (1 of 4 stars; one submission).

gnomAD v4.1: 1 of 1,598,532 alleles (0.000063%); highest among the groups gnomAD compares: South Asian, 0.0011%; no homozygotes.

Submission:

CeGaT Center for Human Genetics Tuebingen
Classification: Likely benign. Last evaluated: 2025-11-01. Review status: criteria provided, single submitter. Criteria: CeGaT Center For Human Genetics Tuebingen Variant Classification Criteria Version 2. Collection method: clinical testing. Allele origin: germline. Affected: yes. Observed: 1 variant allele.
Comment: NOTCH3: BP4, BP7